The following is an entry in ClinVar:

NM_001042702.5(PJVK):c.408-2A>G

Gene: PJVK (pejvakin; plus strand). Cytogenetic location: 2q31.2.
Variant type: single nucleotide variant.
Coding change: c.408-2A>G on transcript NM_001042702.5 (MANE Select); the canonical splice acceptor site of the intron before coding-DNA position 408, A replaced by G.
Molecular consequence: splice acceptor variant.
Genome position (GRCh38, 1-based): chr2:178,456,008, A>G. VCF-style: chr2-178456008-A-G. GRCh37 (hg19) VCF-style: chr2-179320735-A-G.
Other names: c.-70-2A>G (NM_001353777.1, NM_001353778.2); c.417-2A>G (NM_001353775.2); c.513-2A>G (NM_001353776.2); c.408-2A>G (NM_001369912.1).
Identifiers: ClinVar variation 3601638 (VCV003601638.1).
Genomic context (GRCh38, chr2:178,456,008, plus strand): 5'-TGTATTTGATTATGTGTAATTAGATGTTATAGAGTCTTGTGAATGTATCTTCTTTATTTT[A>G]GAAAAATTAACTTTGACCACAGCTTGATACGTCAGTCAAGGAGCAGCAGAAAGGCAGTAT-3'

ClinVar aggregate classification (germline): Pathogenic (1 of 4 stars; one submission).

Conditions:
Autosomal recessive nonsyndromic hearing loss 59. Identifiers: Orphanet 90636, MedGen C1857744, MONDO:0012445, OMIM 610220.

Submission:

Institute of Rare Diseases, West China Hospital, Sichuan University
Classification: Pathogenic for Autosomal recessive nonsyndromic hearing loss 59. Last evaluated: 2025-01-09. Review status: criteria provided, single submitter. Criteria: ClinGen HL ACMG Specifications v1. Collection method: research. Allele origin: germline. Affected: yes.
Comment: PVS1;PM3_Supporting;PM2_Supporting